The following is an entry in ClinVar:

NM_001276277.3(PPIP5K2):c.2530-809G>A

Gene: PPIP5K2 (diphosphoinositol pentakisphosphate kinase 2; plus strand). Cytogenetic location: 5q21.1.
Variant type: single nucleotide variant.
Coding change: c.2530-809G>A on transcript NM_001276277.3 (MANE Select); 809 bases into the intron before coding-DNA position 2530, G replaced by A.
Molecular consequence: intron variant.
Genome position (GRCh38, 1-based): chr5:103,176,858, G>A. VCF-style: chr5-103176858-G-A. GRCh37 (hg19) VCF-style: chr5-102512560-G-A.
Other names: c.2530-8G>A (NM_001281471.3, NM_001345872.2); c.2530-809G>A (NM_015216.5, NM_001345876.2, NM_001345871.2 and 2 more transcripts); c.2527-809G>A (NM_001345873.2, NM_001345878.2, NM_001345877.2).
Identifiers: ClinVar variation 3033760 (VCV003033760.2), dbSNP rs574239626, ClinGen allele CA3360409.

ClinVar aggregate classification (germline): Benign (0 of 4 stars; one submission).

Conditions:
PPIP5K2-related disorder. Also called: PPIP5K2-related condition.

Allele frequency attached by ClinVar (database versions not stated): gnomAD exomes 0.00041; gnomAD 0.00137; 1000 Genomes Project 0.00200; 1000 Genomes Project 30x 0.00203; TOPMed 0.00240; ExAC 0.01163.

Submission:

PreventionGenetics, part of Exact Sciences
Classification: Benign for PPIP5K2-related condition. Last evaluated: 2019-12-23. Review status: no assertion criteria provided. Collection method: clinical testing. Allele origin: germline.
Comment: This variant is classified as benign based on ACMG/AMP sequence variant interpretation guidelines (Richards et al. 2015 PMID: 25741868, with internal and published modifications).